The following is an entry in ClinVar:

ClinVar aggregate classification (germline): Uncertain significance. Review status: criteria provided, multiple submitters, no conflicts (2 of 4 stars). 5 submissions from 4 submitters: Uncertain significance (5). Last evaluated 2025-09-01.

Conditions:
Acrodysostosis 1 with or without hormone resistance (ACRDYS1). Also called: ACRODYSOSTOSIS 1 WITH HORMONE RESISTANCE; ACRODYSOSTOSIS 1 WITHOUT HORMONE RESISTANCE; ACRODYSOSTOSIS WITH HORMONE RESISTANCE. Identifiers: Orphanet 280651, MedGen C3276228, MONDO:0007044, OMIM 101800.
Hereditary cancer-predisposing syndrome. Also called: Hereditary neoplastic syndrome; Neoplastic Syndromes, Hereditary; Tumor predisposition; Hereditary Cancer Syndrome. Identifiers: Orphanet 140162, MedGen C0027672, MeSH D009386, MONDO:0015356.
Carney complex, type 1 (CNC1). Also called: CARNEY MYXOMA-ENDOCRINE COMPLEX; CARNEY COMPLEX, TYPE I. Identifiers: Orphanet 1359, MedGen C2607929, MONDO:0008057, OMIM 160980.

Allele frequency attached by ClinVar (database versions not stated): gnomAD exomes below 0.00001 and 0.00001.
gnomAD v4.1: 6 of 1,613,482 alleles (0.00037%); highest among the groups gnomAD compares: Non-Finnish European, 0.00051%; no homozygotes.

Submissions (5):

Ambry Genetics
Classification: Uncertain significance for Hereditary cancer-predisposing syndrome. Last evaluated: 2025-09-01. Review status: criteria provided, single submitter. Criteria: Ambry Variant Classification Scheme 2023. Collection method: clinical testing. Allele origin: germline.
Comment: The p.E10K variant (also known as c.28G>A), located in coding exon 1 of the PRKAR1A gene, results from a G to A substitution at nucleotide position 28. The glutamic acid at codon 10 is replaced by lysine, an amino acid with similar properties. This amino acid position is conserved. In addition, the in silico prediction for this alteration is inconclusive. Since supporting evidence is limited at this time, the clinical significance of this alteration remains unclear.

Labcorp Genetics (formerly Invitae), Labcorp
Classification: Uncertain significance for Carney complex, type 1. Last evaluated: 2024-11-26. Review status: criteria provided, single submitter. Criteria: Invitae Variant Classification Sherloc (09022015). Collection method: clinical testing. Allele origin: germline.
Comment: This sequence change replaces glutamic acid, which is acidic and polar, with lysine, which is basic and polar, at codon 10 of the PRKAR1A protein (p.Glu10Lys). This variant is present in population databases (no rsID available, gnomAD 0.002%). This variant has not been reported in the literature in individuals affected with PRKAR1A-related conditions. ClinVar contains an entry for this variant (Variation ID: 892466). Invitae Evidence Modeling of protein sequence and biophysical properties (such as structural, functional, and spatial information, amino acid conservation, physicochemical variation, residue mobility, and thermodynamic stability) indicates that this missense variant is not expected to disrupt PRKAR1A protein function with a negative predictive value of 95%. In summary, the available evidence is currently insufficient to determine the role of this variant in disease. Therefore, it has been classified as a Variant of Uncertain Significance.

Baylor Genetics
Classification: Uncertain significance for Carney complex, type 1. Last evaluated: 2021-05-31. Review status: criteria provided, single submitter. Criteria: ACMG Guidelines, 2015. Collection method: clinical testing. Allele origin: unknown. Affected: yes. Study: CSER-TexasKidsCanSeq.
Comment: This variant was determined to be of uncertain significance according to ACMG Guidelines, 2015 [PMID:25741868].

Illumina Laboratory Services, Illumina
Classification: Uncertain significance for Acrodysostosis 1 with or without hormone resistance. Last evaluated: 2018-01-12. Review status: criteria provided, single submitter. Criteria: ICSL Variant Classification Criteria 13 December 2019. Collection method: clinical testing. Allele origin: germline.

Illumina Laboratory Services, Illumina
Classification: Uncertain significance for Carney complex, type 1. Last evaluated: 2018-01-12. Review status: criteria provided, single submitter. Criteria: ICSL Variant Classification Criteria 13 December 2019. Collection method: clinical testing. Allele origin: germline.

NM_002734.5(PRKAR1A):c.28G>A (p.Glu10Lys)

Gene: PRKAR1A (protein kinase cAMP-dependent type I regulatory subunit alpha; plus strand). Cytogenetic location: 17q24.2.
Variant type: single nucleotide variant.
Coding change: c.28G>A on transcript NM_002734.5 (MANE Select); coding-DNA position 28, G replaced by A.
Protein change: p.Glu10Lys; replaces glutamic acid 10 with lysine.
Molecular consequence: missense variant.
Genome position (GRCh38, 1-based): chr17:68,515,427, G>A. VCF-style: chr17-68515427-G-A. GRCh37 (hg19) VCF-style: chr17-66511568-G-A.
Other names: c.28G>A, p.Glu10Lys (NM_001276289.2, NM_001276290.1, NM_001278433.2 and 4 more transcripts); short protein forms E10K.
Identifiers: ClinVar variation 892466 (VCV000892466.16), dbSNP rs1467886544, ClinGen allele CA400751810.